The following is an entry in ClinVar:

NM_024577.4(SH3TC2):c.3795G>C (p.Leu1265=)

Gene: SH3TC2 (SH3 domain and tetratricopeptide repeats 2; minus strand). Cytogenetic location: 5q32.
Variant type: single nucleotide variant.
Coding change: c.3795G>C on transcript NM_024577.4 (MANE Select); coding-DNA position 3795, G replaced by C.
Protein change: p.Leu1265=; no amino-acid change (leucine 1265 retained).
Molecular consequence: synonymous variant.
Genome position (GRCh38, 1-based): chr5:149,004,783, C>G on the plus strand (G>C on the coding strand, the complement: SH3TC2 is on the minus strand). VCF-style: chr5-149004783-C-G. GRCh37 (hg19) VCF-style: chr5-148384346-C-G.
Other names: p.Leu1265=.
Identifiers: ClinVar variation 351896 (VCV000351896.69), dbSNP rs144873879, ClinGen allele CA3498626.

ClinVar aggregate classification (germline): Conflicting classifications of pathogenicity. Review status: criteria provided, conflicting classifications (1 of 4 stars). 15 submissions from 14 submitters: Uncertain significance (2); Benign (4); Likely benign (6). 3 of the submissions do not count toward it. Last evaluated 2026-07-01.

Conditions:
Charcot-Marie-Tooth disease type 4. Also called: Charcot-Marie-Tooth disease, type IV; Charcot-Marie-Tooth, Type 4. Identifiers: Orphanet 64749, MedGen C4082197, MONDO:0018995.
Inborn genetic diseases. Identifiers: MedGen C0950123, MeSH D030342.
Charcot-Marie-Tooth disease type 4C (CMT4C). Also called: Charcot-Marie-Tooth Neuropathy Type 4C (CMT4C); CHARCOT-MARIE-TOOTH DISEASE, DEMYELINATING, TYPE 4C; SH3TC2-Related Hereditary Motor and Sensory Neuropathy; CHARCOT-MARIE-TOOTH DISEASE, DEMYELINATING, AUTOSOMAL RECESSIVE, TYPE 4C; CMT 4C. Identifiers: Orphanet 99949, MedGen C1866636, MONDO:0011113, OMIM 601596.
Charcot-Marie-Tooth disease. Also called: Charcot-Marie-Tooth Neuropathy; Charcot-Marie-Tooth Hereditary Neuropathy. Identifiers: Orphanet 166, MedGen C0007959, MONDO:0015626.
Susceptibility to mononeuropathy of the median nerve, mild. Also called: CARPAL TUNNEL SYNDROME, SUSCEPTIBILITY TO. Identifiers: MedGen C3150596, MONDO:0013237, OMIM 613353.
SH3TC2-related disorder. Also called: SH3TC2-related condition; SH3TC2-related disorders. Identifiers: MedGen CN239303.

Allele frequency attached by ClinVar (database versions not stated): 1000 Genomes Project 30x 0.00047; 1000 Genomes Project 0.00060; TOPMed 0.00131; ESP Exome Variant Server 0.00223.
gnomAD v4.1: 3,002 of 1,614,148 alleles (0.19%); highest among the groups gnomAD compares: Non-Finnish European, 0.23%; 5 homozygotes.

Submissions (15):

CeGaT Center for Human Genetics Tuebingen
Classification: Likely benign. Last evaluated: 2026-07-01. Review status: criteria provided, single submitter. Criteria: CeGaT Center For Human Genetics Tuebingen Variant Classification Criteria Version 2. Collection method: clinical testing. Allele origin: germline. Affected: yes. Observed: 13 variant alleles.
Comment: SH3TC2: BP4, BS2

Labcorp Genetics (formerly Invitae), Labcorp
Classification: Benign for Charcot-Marie-Tooth disease type 4. Last evaluated: 2026-01-14. Review status: criteria provided, single submitter. Criteria: Invitae Variant Classification Sherloc (09022015). Collection method: clinical testing. Allele origin: germline.

Blueprint Genetics
Classification: Likely benign. Last evaluated: 2024-11-25. Review status: criteria provided, single submitter. Criteria: ACMG Guidelines, 2015. Collection method: clinical testing. Allele origin: germline.

ARUP Laboratories, Molecular Genetics and Genomics, ARUP Laboratories
Classification: Benign. Last evaluated: 2024-07-12. Review status: criteria provided, single submitter. Criteria: ARUP Molecular Germline Variant Investigation Process 2024. Collection method: clinical testing. Allele origin: germline.

Mayo Clinic Laboratories, Mayo Clinic
Classification: Benign. Last evaluated: 2024-07-10. Review status: criteria provided, single submitter. Criteria: ACMG Guidelines, 2015. Collection method: clinical testing. Allele origin: germline. Observed: 4 variant alleles.
Comment: BS1, BS2, BP4, BP7

Ambry Genetics
Classification: Likely benign for Inborn genetic diseases. Last evaluated: 2019-07-11. Review status: criteria provided, single submitter. Criteria: Ambry Variant Classification Scheme 2023. Collection method: clinical testing. Allele origin: germline.

Athena Diagnostics
Classification: Likely benign. Last evaluated: 2018-04-05. Review status: criteria provided, single submitter. Criteria: Athena Diagnostics Criteria. Collection method: clinical testing. Allele origin: germline.

Illumina Laboratory Services, Illumina
Classification: Uncertain significance for Charcot-Marie-Tooth disease type 4C. Last evaluated: 2018-01-13. Review status: criteria provided, single submitter. Criteria: ICSL Variant Classification Criteria 13 December 2019. Collection method: clinical testing. Allele origin: germline.

Illumina Laboratory Services, Illumina
Classification: Likely benign for Susceptibility to mononeuropathy of the median nerve, mild. Last evaluated: 2018-01-13. Review status: criteria provided, single submitter. Criteria: ICSL Variant Classification Criteria 13 December 2019. Collection method: clinical testing. Allele origin: germline.
Comment: This variant was observed in the ICSL laboratory as part of a predisposition screen in an ostensibly healthy population. It had not been previously curated by ICSL or reported in the Human Gene Mutation Database (HGMD: prior to June 1st, 2018), and was therefore a candidate for classification through an automated scoring system. Utilizing variant allele frequency, disease prevalence and penetrance estimates, and inheritance mode, an automated score was calculated to assess if this variant is too frequent to cause the disease. Based on the score and internal cut-off values, a variant classified as likely benign is not then subjected to further curation. The score for this variant resulted in a classification of likely benign for this disease.

Eurofins Ntd Llc (ga)
Classification: Uncertain significance. Last evaluated: 2017-02-08. Review status: criteria provided, single submitter. Criteria: EGL Classification Definitions 2015. Collection method: clinical testing. Allele origin: germline. Observed: 1 variant allele, 1 heterozygote.

GeneDx
Classification: Benign. Last evaluated: 2015-05-15. Review status: criteria provided, single submitter. Criteria: GeneDx Variant Classification (06012015). Collection method: clinical testing. Allele origin: germline. Affected: yes.
Comment: This variant is considered likely benign or benign based on one or more of the following criteria: it is a conservative change, it occurs at a poorly conserved position in the protein, it is predicted to be benign by multiple in silico algorithms, and/or has population frequency not consistent with disease.

Molecular Genetics Laboratory, London Health Sciences Centre
Classification: Likely benign for Charcot-Marie-Tooth disease. Review status: criteria provided, single submitter. Criteria: ACMG Guidelines, 2015. Collection method: clinical testing. Allele origin: germline. Affected: yes.

PreventionGenetics, part of Exact Sciences
Classification: Likely benign for SH3TC2-related condition. Last evaluated: 2024-02-20. Review status: no assertion criteria provided. Collection method: clinical testing. Allele origin: germline. Not counted in ClinVar's aggregate classification.
Comment: This variant is classified as likely benign based on ACMG/AMP sequence variant interpretation guidelines (Richards et al. 2015 PMID: 25741868, with internal and published modifications).

Clinical Genetics, Academic Medical Center
Classification: Benign. Review status: no assertion criteria provided. Collection method: clinical testing. Allele origin: germline. Affected: yes. Study: VKGL Data-share Consensus. Not counted in ClinVar's aggregate classification.

Genome Diagnostics Laboratory, University Medical Center Utrecht
Classification: Likely benign. Review status: no assertion criteria provided. Collection method: clinical testing. Allele origin: germline. Affected: yes. Study: VKGL Data-share Consensus. Not counted in ClinVar's aggregate classification.